The following is an entry in ClinVar:

NM_152383.5(DIS3L2):c.820C>T (p.Arg274Ter)

Gene: DIS3L2 (DIS3 like 3'-5' exoribonuclease 2; plus strand). Cytogenetic location: 2q37.1.
Variant type: single nucleotide variant.
Coding change: c.820C>T on transcript NM_152383.5 (MANE Select); coding-DNA position 820, C replaced by T.
Protein change: p.Arg274Ter; replaces arginine 274 with a stop codon.
Molecular consequence: nonsense. On other transcripts: non-coding transcript variant (1).
Genome position (GRCh38, 1-based): chr2:232,136,589, C>T. VCF-style: chr2-232136589-C-T. GRCh37 (hg19) VCF-style: chr2-233001299-C-T.
Other names: c.820C>T, p.Arg274Ter (NM_001257281.2); short protein forms R274*.
Identifiers: ClinVar variation 1454907 (VCV001454907.6), dbSNP rs781163337, ClinGen allele CA351153663.

ClinVar aggregate classification (germline): Pathogenic (1 of 4 stars; one submission).

Conditions:
Perlman syndrome (PRLMNS). Identifiers: Orphanet 2849, MedGen C0796113, MONDO:0009965, OMIM 267000.

Allele frequency attached by ClinVar (database versions not stated): gnomAD exomes below 0.00001.
gnomAD v4.1: 3 of 1,613,998 alleles (0.00019%); highest among the groups gnomAD compares: Non-Finnish European, 0.00017%; no homozygotes.

Submission:

Labcorp Genetics (formerly Invitae), Labcorp
Classification: Pathogenic for Perlman syndrome. Last evaluated: 2024-04-16. Review status: criteria provided, single submitter. Criteria: Invitae Variant Classification Sherloc (09022015). Collection method: clinical testing. Allele origin: germline.
Comment: This sequence change creates a premature translational stop signal (p.Arg274*) in the DIS3L2 gene. It is expected to result in an absent or disrupted protein product. Loss-of-function variants in DIS3L2 are known to be pathogenic (PMID: 22306653, 28328139). This variant is present in population databases (no rsID available, gnomAD 0.01%). This variant has not been reported in the literature in individuals affected with DIS3L2-related conditions. ClinVar contains an entry for this variant (Variation ID: 1454907). For these reasons, this variant has been classified as Pathogenic.

Literature cited by the submitters: PubMed 22306653; PubMed 28328139.